The following is an entry in ClinVar:

NM_016107.5(ZFR):c.534G>A (p.Gln178=)

Gene: ZFR (zinc finger RNA binding protein; minus strand). Cytogenetic location: 5p13.3.
Variant type: single nucleotide variant.
Coding change: c.534G>A on transcript NM_016107.5 (MANE Select); coding-DNA position 534, G replaced by A.
Protein change: p.Gln178=; no amino-acid change (glutamine 178 retained).
Molecular consequence: synonymous variant. On other transcripts: non-coding transcript variant (1).
Genome position (GRCh38, 1-based): chr5:32,417,679, C>T on the plus strand (G>A on the coding strand, the complement: ZFR is on the minus strand). VCF-style: chr5-32417679-C-T. GRCh37 (hg19) VCF-style: chr5-32417784-C-T.
Other names: c.534G>A (NM_016107.4).
Identifiers: ClinVar variation 1963204 (VCV001963204.7), dbSNP rs564556760, ClinGen allele CA3222032.

ClinVar aggregate classification (germline): Benign. Review status: criteria provided, single submitter (1 of 4 stars). 2 submissions from 2 submitters: Benign (1). 1 of the submissions does not count toward it. Last evaluated 2023-05-09.

Conditions:
ZFR-related disorder. Also called: ZFR-related condition.
Pure or complex autosomal recessive spastic paraplegia. Identifiers: Orphanet 320346, MedGen C5679887, MONDO:0017915.

Allele frequency attached by ClinVar (database versions not stated): TOPMed 0.00011; gnomAD 0.00035; gnomAD exomes 0.00057; ExAC 0.00147; 1000 Genomes Project 30x 0.00156; 1000 Genomes Project 0.00180.
gnomAD v4.1: 883 of 1,613,766 alleles (0.055%); highest among the groups gnomAD compares: South Asian, 0.89%; 8 homozygotes.

Submissions (2):

Labcorp Genetics (formerly Invitae), Labcorp
Classification: Benign for Pure or complex autosomal recessive spastic paraplegia. Last evaluated: 2023-05-09. Review status: criteria provided, single submitter. Criteria: Invitae Variant Classification Sherloc (09022015). Collection method: clinical testing. Allele origin: germline.

PreventionGenetics, part of Exact Sciences
Classification: Likely benign for ZFR-related condition. Last evaluated: 2019-04-08. Review status: no assertion criteria provided. Collection method: clinical testing. Allele origin: germline. Not counted in ClinVar's aggregate classification.
Comment: This variant is classified as likely benign based on ACMG/AMP sequence variant interpretation guidelines (Richards et al. 2015 PMID: 25741868, with internal and published modifications).